The following is an entry in ClinVar:

NM_170707.4(LMNA):c.1698+26G>A

Gene: LMNA (lamin A/C; plus strand). Cytogenetic location: 1q22.
Variant type: single nucleotide variant.
Coding change: c.1698+26G>A on transcript NM_170707.4 (MANE Select); 26 bases into the intron after coding-DNA position 1698, G replaced by A.
Molecular consequence: intron variant. On other transcripts: 3 prime UTR variant (3).
Genome position (GRCh38, 1-based): chr1:156,137,769, G>A. VCF-style: chr1-156137769-G-A. GRCh37 (hg19) VCF-style: chr1-156107560-G-A.
Other names: c.*5G>A (NM_001282624.2, NM_001282625.2, NM_005572.4); c.1698+26G>A (NM_001282626.2); c.1608+537G>A (NM_170708.4); c.1362+26G>A (NM_001257374.3).
Identifiers: ClinVar variation 1172198 (VCV001172198.2), dbSNP rs766567207, ClinGen allele CA050970.

ClinVar aggregate classification (germline): Uncertain significance (1 of 4 stars; one submission).

Conditions:
Cardiomyopathy (CMYO). Also called: Cardiomyopathies. Identifiers: Orphanet 167848, MedGen C0878544, MONDO:0004994, HP:0001638. Inheritance: Various modes of inheritance.

Allele frequency attached by ClinVar (database versions not stated): ExAC 0.00005.

Submission:

Color Diagnostics, LLC DBA Color Health
Classification: Uncertain significance for Cardiomyopathy. Last evaluated: 2021-01-26. Review status: criteria provided, single submitter. Criteria: ACMG Guidelines, 2015. Collection method: clinical testing. Allele origin: germline.
Comment: This variant causes a G to A nucleotide substitution at the +26 position of intron 10 of the lamin A transcript (NM_170707.3). Splice prediction tools suggest that this variant may not impact RNA splicing. This variant represents a single nucleotide substitution in the 3' untranslated region of the lamin C transcript (NM_005572.3: c.*5G>A). To our knowledge, functional studies have not been reported for this variant. This variant has not been reported in individuals affected with cardiovascular disorders in the literature. This variant has been identified in 1/152818 chromosomes in the general population by the Genome Aggregation Database (gnomAD). The available evidence is insufficient to determine the role of this variant in disease conclusively. Therefore, this variant is classified as a Variant of Uncertain Significance.